The following is an entry in ClinVar:

ClinVar aggregate classification (germline): Uncertain significance (1 of 4 stars; one submission).

Submission:

Labcorp Genetics (formerly Invitae), Labcorp
Classification: Uncertain significance. Last evaluated: 2023-12-19. Review status: criteria provided, single submitter. Criteria: Invitae Variant Classification Sherloc (09022015). Collection method: clinical testing. Allele origin: germline.
Comment: This sequence change replaces histidine, which is basic and polar, with tyrosine, which is neutral and polar, at codon 2594 of the LRP2 protein (p.His2594Tyr). This variant is not present in population databases (gnomAD no frequency). This variant has not been reported in the literature in individuals affected with LRP2-related conditions. Advanced modeling of protein sequence and biophysical properties (such as structural, functional, and spatial information, amino acid conservation, physicochemical variation, residue mobility, and thermodynamic stability) performed at Invitae indicates that this missense variant is not expected to disrupt LRP2 protein function with a negative predictive value of 80%. In summary, the available evidence is currently insufficient to determine the role of this variant in disease. Therefore, it has been classified as a Variant of Uncertain Significance.

NM_004525.3(LRP2):c.7780C>T (p.His2594Tyr)

Gene: LRP2 (LDL receptor related protein 2; minus strand). Cytogenetic location: 2q31.1.
Variant type: single nucleotide variant.
Coding change: c.7780C>T on transcript NM_004525.3 (MANE Select); coding-DNA position 7780, C replaced by T.
Protein change: p.His2594Tyr; replaces histidine 2594 with tyrosine.
Molecular consequence: missense variant.
Genome position (GRCh38, 1-based): chr2:169,204,207, G>A on the plus strand (C>T on the coding strand, the complement: LRP2 is on the minus strand). VCF-style: chr2-169204207-G-A. GRCh37 (hg19) VCF-style: chr2-170060717-G-A.
Other names: short protein forms H2594Y.
Identifiers: ClinVar variation 2704031 (VCV002704031.3), dbSNP rs2545802036, ClinGen allele CA349167790.